The following is an entry in ClinVar:

NM_001267550.2(TTN):c.57230_57231del (p.Val19077fs)

Genes: TTN-AS1 (TTN antisense RNA 1; plus strand), TTN (titin; minus strand). Cytogenetic location: 2q31.2.
Variant type: Deletion.
Coding change: c.57230_57231del on transcript NM_001267550.2 (MANE Select); coding-DNA positions 57230 to 57231, 2 bases deleted (TC; older notation c.57230_57231delTC).
Protein change: p.Val19077fs; shifts the reading frame from valine 19077.
Molecular consequence: frameshift variant.
Genome position (GRCh38, 1-based): chr2:178,597,939-178,597,940, GA deleted on the plus strand (TC on the coding strand, the reverse complement: TTN is on the minus strand). VCF-style (leftmost placement, unchanged base first): chr2-178597938-TGA-T. GRCh37 (hg19) VCF-style: chr2-179462665-TGA-T.
Other names: c.52307_52308del, p.Val17436fs (NM_001256850.1); c.30035_30036del, p.Val10012fs (NM_003319.4); c.49526_49527del, p.Val16509fs (NM_133378.4); c.30410_30411del, p.Val10137fs (NM_133432.3); c.30611_30612del, p.Val10204fs (NM_133437.4); short protein forms V10012fs, V17436fs, V19077fs, V10137fs, V10204fs, V16509fs.
Identifiers: ClinVar variation 2953500 (VCV002953500.3), dbSNP rs2469815268, ClinGen allele CA2740090977.

ClinVar aggregate classification (germline): Likely pathogenic (1 of 4 stars; one submission).

Conditions:
Autosomal recessive limb-girdle muscular dystrophy type 2J (LGMDR10). Also called: Limb-girdle muscular dystrophy, type 2J; MUSCULAR DYSTROPHY, LIMB-GIRDLE, AUTOSOMAL RECESSIVE 10. Identifiers: Orphanet 140922, MedGen C1837342, MONDO:0012127, OMIM 608807.
Dilated cardiomyopathy 1G (CMD1G). Identifiers: Orphanet 154, MedGen C1858763, MONDO:0011400, OMIM 604145.

Submission:

Labcorp Genetics (formerly Invitae), Labcorp
Classification: Likely pathogenic for Dilated cardiomyopathy 1G; Autosomal recessive limb-girdle muscular dystrophy type 2J. Last evaluated: 2023-11-02. Review status: criteria provided, single submitter. Criteria: Invitae Variant Classification Sherloc (09022015). Collection method: clinical testing. Allele origin: germline.
Comment: This sequence change creates a premature translational stop signal (p.Val19077Aspfs*5) in the TTN gene. While this is not anticipated to result in nonsense mediated decay, it is expected to create a truncated TTN protein. This variant is not present in population databases (gnomAD no frequency). This variant has not been reported in the literature in individuals affected with TTN-related conditions. This variant is located in the A band of TTN (PMID: 25589632). Truncating variants in this region are significantly overrepresented in patients affected with dilated cardiomyopathy (PMID: 25589632). Truncating variants in this region have also been reported in individuals affected with autosomal recessive centronuclear myopathy (PMID: 23975875). In summary, the currently available evidence indicates that the variant is pathogenic, but additional data are needed to prove that conclusively. Therefore, this variant has been classified as Likely Pathogenic.

Literature cited by the submitters: PubMed 25589632; PubMed 23975875.